The following is an entry in ClinVar:

NM_001354483.2(CSGALNACT1):c.369C>A (p.Phe123Leu)

Gene: CSGALNACT1 (chondroitin sulfate N-acetylgalactosaminyltransferase 1; minus strand). Cytogenetic location: 8p21.3.
Variant type: single nucleotide variant.
Coding change: c.369C>A on transcript NM_001354483.2 (MANE Select); coding-DNA position 369, C replaced by A.
Protein change: p.Phe123Leu; replaces phenylalanine 123 with leucine.
Molecular consequence: missense variant. On other transcripts: non-coding transcript variant (7).
Genome position (GRCh38, 1-based): chr8:19,505,466, G>T on the plus strand (C>A on the coding strand, the complement: CSGALNACT1 is on the minus strand). VCF-style: chr8-19505466-G-T. GRCh37 (hg19) VCF-style: chr8-19362977-G-T.
Other names: c.369C>A, p.Phe123Leu (NM_001130518.2, NM_001354475.2, NM_001354476.2 and 18 more transcripts); short protein forms F123L.
Identifiers: ClinVar variation 1362240 (VCV001362240.5), dbSNP rs1428443209, ClinGen allele CA370461397.
Genomic context (GRCh38, chr8:19,505,466, plus strand): 5'-ATACTCTGTGGCCAGCTTGACGCCAGCATTCACCTCTGCCTTGTCCACCTGCGAGTGCAG[G>T]AAGGCCAGGAGGTCGGCCTGGGTTTTCTCTGGGGGGCTCCTGTCCAGACCCAGGCCAGCA-3'
Protein context (NP_001341412.1, residues 113-133): PEKTQADLLA[Phe123Leu]LHSQVDKAEV

ClinVar aggregate classification (germline): Uncertain significance (1 of 4 stars; one submission).

Allele frequency attached by ClinVar (database versions not stated): TOPMed below 0.00001; gnomAD 0.00001.
gnomAD v4.1: 4 of 1,614,082 alleles (0.00025%); highest among the groups gnomAD compares: Non-Finnish European, 0.00034%; no homozygotes.

Submission:

Labcorp Genetics (formerly Invitae), Labcorp
Classification: Uncertain significance. Last evaluated: 2021-09-24. Review status: criteria provided, single submitter. Criteria: Invitae Variant Classification Sherloc (09022015). Collection method: clinical testing. Allele origin: germline.
Comment: This sequence change replaces phenylalanine with leucine at codon 123 of the CSGALNACT1 protein (p.Phe123Leu). The phenylalanine residue is highly conserved and there is a small physicochemical difference between phenylalanine and leucine. This variant is not present in population databases (ExAC no frequency). This variant has not been reported in the literature in individuals with CSGALNACT1-related conditions. Algorithms developed to predict the effect of missense changes on protein structure and function are either unavailable or do not agree on the potential impact of this missense change (SIFT: "Deleterious"; PolyPhen-2: "Possibly Damaging"; Align-GVGD: "Class C0"). In summary, the available evidence is currently insufficient to determine the role of this variant in disease. Therefore, it has been classified as a Variant of Uncertain Significance.